The following is an entry in ClinVar:

ClinVar aggregate classification (germline): Likely benign (0 of 4 stars; one submission).

Conditions:
PLXNA4-related disorder. Also called: PLXNA4-related condition.

Allele frequency attached by ClinVar (database versions not stated): TOPMed 0.00001; gnomAD 0.00003; ExAC 0.00004.
gnomAD v4.1: 40 of 1,614,148 alleles (0.0025%); highest among the groups gnomAD compares: Middle Eastern, 0.016%; no homozygotes.

Submission:

PreventionGenetics, part of Exact Sciences
Classification: Likely benign for PLXNA4-related condition. Last evaluated: 2022-10-25. Review status: no assertion criteria provided. Collection method: clinical testing. Allele origin: germline.
Comment: This variant is classified as likely benign based on ACMG/AMP sequence variant interpretation guidelines (Richards et al. 2015 PMID: 25741868, with internal and published modifications).

NM_020911.2(PLXNA4):c.264G>A (p.Pro88=)

Gene: PLXNA4 (plexin A4; minus strand). Cytogenetic location: 7q32.3.
Variant type: single nucleotide variant.
Coding change: c.264G>A on transcript NM_020911.2 (MANE Select); coding-DNA position 264, G replaced by A.
Protein change: p.Pro88=; no amino-acid change (proline 88 retained).
Molecular consequence: synonymous variant.
Genome position (GRCh38, 1-based): chr7:132,508,430, C>T on the plus strand (G>A on the coding strand, the complement: PLXNA4 is on the minus strand). VCF-style: chr7-132508430-C-T. GRCh37 (hg19) VCF-style: chr7-132193189-C-T.
Other names: c.264G>A, p.Pro88= (NM_001105543.2, NM_001393897.1, NM_181775.4).
Identifiers: ClinVar variation 3047684 (VCV003047684.2), dbSNP rs775817962, ClinGen allele CA4490523.